The following is an entry in ClinVar:

ClinVar aggregate classification (germline): Uncertain significance (1 of 4 stars; one submission).

Conditions:
Epidermolysis bullosa simplex 5B, with muscular dystrophy (EBS5B). Also called: Epidermolysis bullosa simplex with muscular dystrophy; EPIDERMOLYSIS BULLOSA SIMPLEX AND LIMB-GIRDLE MUSCULAR DYSTROPHY. Identifiers: Orphanet 257, MedGen C2931072, MONDO:0009181, OMIM 226670.
Epidermolysis bullosa simplex, Ogna type (EBS5A). Also called: Pidermolysis bullosa simplex 5A, Ogna type; EPIDERMOLYSIS BULLOSA SIMPLEX 5A, OGNA TYPE. Identifiers: Orphanet 79401, MedGen C0432317, MONDO:0007555, OMIM 131950.
Epidermolysis bullosa simplex with nail dystrophy (EBS5D). Identifiers: MedGen C4225309, MONDO:0014661, OMIM 616487.
Epidermolysis bullosa simplex 5C, with pyloric atresia (EBS5C). Also called: PLEC1-Related Epidermolysis Bullosa with Pyloric Atresia; PLEC-Related Epidermolysis Bullosa with Pyloric Atresia; Epidermolysis bullosa simplex with pyloric atresia. Identifiers: Orphanet 158684, MedGen C2677349, MONDO:0012807, OMIM 612138.
Autosomal recessive limb-girdle muscular dystrophy type 2Q (LGMDR17). Also called: MUSCULAR DYSTROPHY, LIMB-GIRDLE, AUTOSOMAL RECESSIVE 17. Identifiers: Orphanet 254361, MedGen C3150989, MONDO:0013390, OMIM 613723.

gnomAD v4.1: 27 of 1,605,110 alleles (0.0017%); highest among the groups gnomAD compares: Non-Finnish European, 0.0022%; no homozygotes.

Submission:

Labcorp Genetics (formerly Invitae), Labcorp
Classification: Uncertain significance for Autosomal recessive limb-girdle muscular dystrophy type 2Q; Epidermolysis bullosa simplex, Ogna type; Epidermolysis bullosa simplex with nail dystrophy; Epidermolysis bullosa simplex 5C, with pyloric atresia; Epidermolysis bullosa simplex 5B, with muscular dystrophy. Last evaluated: 2022-10-20. Review status: criteria provided, single submitter. Criteria: Invitae Variant Classification Sherloc (09022015). Collection method: clinical testing. Allele origin: germline.
Comment: In summary, the available evidence is currently insufficient to determine the role of this variant in disease. Therefore, it has been classified as a Variant of Uncertain Significance. Advanced modeling of protein sequence and biophysical properties (such as structural, functional, and spatial information, amino acid conservation, physicochemical variation, residue mobility, and thermodynamic stability) has been performed at Invitae for this missense variant, however the output from this modeling did not meet the statistical confidence thresholds required to predict the impact of this variant on PLEC protein function. This variant has not been reported in the literature in individuals affected with PLEC-related conditions. This variant is present in population databases (rs369517469, gnomAD 0.002%). This sequence change replaces glutamine, which is neutral and polar, with histidine, which is basic and polar, at codon 2519 of the PLEC protein (p.Gln2519His).

NM_201384.3(PLEC):c.7476G>C (p.Gln2492His)

Gene: PLEC (plectin; minus strand). Cytogenetic location: 8q24.3.
Variant type: single nucleotide variant.
Coding change: c.7476G>C on transcript NM_201384.3 (MANE Select); coding-DNA position 7476, G replaced by C.
Protein change: p.Gln2492His; replaces glutamine 2492 with histidine.
Molecular consequence: missense variant.
Genome position (GRCh38, 1-based): chr8:143,922,345, C>G on the plus strand (G>C on the coding strand, the complement: PLEC is on the minus strand). VCF-style: chr8-143922345-C-G. GRCh37 (hg19) VCF-style: chr8-144996513-C-G.
Other names: c.7557G>C, p.Gln2519His (NM_000445.5); c.4176G>C, p.Gln1392His (NM_001410941.1); c.7434G>C, p.Gln2478His (NM_201378.4); c.7410G>C, p.Gln2470His (NM_201379.3); c.7887G>C, p.Gln2629His (NM_201380.4); c.7380G>C, p.Gln2460His (NM_201381.3); c.7476G>C, p.Gln2492His (NM_201382.4); c.7488G>C, p.Gln2496His (NM_201383.3); short protein forms Q2460H, Q2470H, Q2519H, Q2629H, Q2492H, Q2496H, Q1392H, Q2478H.
Identifiers: ClinVar variation 1959169 (VCV001959169.5), dbSNP rs369517469, ClinGen allele CA4925609.